The following is an entry in ClinVar:

ClinVar aggregate classification (germline): Conflicting classifications of pathogenicity. Review status: criteria provided, conflicting classifications (1 of 4 stars). 2 submissions from 2 submitters: Uncertain significance (1); Likely benign (1). Last evaluated 2025-11-04.

Conditions:
Recessive dystrophic epidermolysis bullosa (RDEB). Also called: severe generalized recessive dystrophic epidermolysis bullosa; EPIDERMOLYSIS BULLOSA DYSTROPHICA, GENERALIZED SEVERE, AUTOSOMAL RECESSIVE; DYSTROPHIC EPIDERMOLYSIS BULLOSA, AUTOSOMAL RECESSIVE; EPIDERMOLYSIS BULLOSA DYSTROPHICA, HALLOPEAU-SIEMENS TYPE; Epidermolysis Bullosa Distrophica Autosomal Recessive (RDEB); epidermolysis bullosa dystrophica, autosomal recessive. Identifiers: Orphanet 79408, Orphanet 79409, MedGen C0079474, MONDO:0009179, OMIM 226600.

Allele frequency attached by ClinVar (database versions not stated): gnomAD 0.00001; ExAC 0.00003; TOPMed 0.00001; gnomAD exomes 0.00002 and 0.00003.
gnomAD v4.1: 35 of 1,613,504 alleles (0.0022%); highest among the groups gnomAD compares: Non-Finnish European, 0.0027%; no homozygotes.

Submissions (2):

Labcorp Genetics (formerly Invitae), Labcorp
Classification: Likely benign. Last evaluated: 2025-11-04. Review status: criteria provided, single submitter. Criteria: Invitae Variant Classification Sherloc (09022015). Collection method: clinical testing. Allele origin: germline.

Baylor Genetics
Classification: Uncertain significance for Recessive dystrophic epidermolysis bullosa. Last evaluated: 2018-03-21. Review status: criteria provided, single submitter. Criteria: ACMG Guidelines, 2015. Collection method: clinical testing. Allele origin: maternal. Affected: yes.
Comment: This variant was determined to be of uncertain significance according to ACMG Guidelines, 2015 [PMID:25741868].

NM_000094.4(COL7A1):c.2035A>G (p.Ile679Val)

Gene: COL7A1 (collagen type VII alpha 1 chain; minus strand). Cytogenetic location: 3p21.31.
Variant type: single nucleotide variant.
Coding change: c.2035A>G on transcript NM_000094.4 (MANE Select); coding-DNA position 2035, A replaced by G.
Protein change: p.Ile679Val; replaces isoleucine 679 with valine.
Molecular consequence: missense variant.
Genome position (GRCh38, 1-based): chr3:48,590,228, T>C on the plus strand (A>G on the coding strand, the complement: COL7A1 is on the minus strand). VCF-style: chr3-48590228-T-C. GRCh37 (hg19) VCF-style: chr3-48627661-T-C.
Other names: short protein forms I679V.
Identifiers: ClinVar variation 1031391 (VCV001031391.5), dbSNP rs751176402, ClinGen allele CA2381032.
Genomic context (GRCh38, chr3:48,590,228, plus strand): 5'-AGAGCAATGGAGGCAGAGAGCCAAGGGACGGGGGCAGGGCCTGACCCGTTCGAGCCACGA[T>C]GACTGCAGCAGGGCCCTCCTCTCTGCCTCGCAGTACCGACACAGCCACCTGGTAGGTGGT-3'
Protein context (NP_000085.1, residues 669-689): RGREEGPAAV[Ile679Val]VARTDPLGPV